The following is an entry in ClinVar:

ClinVar aggregate classification (germline): Uncertain significance (1 of 4 stars; one submission).

Allele frequency attached by ClinVar (database versions not stated): gnomAD 0.00001; gnomAD exomes 0.00001; TOPMed 0.00002.
gnomAD v4.1: 5 of 1,613,172 alleles (0.00031%); highest among the groups gnomAD compares: South Asian, 0.0033%; no homozygotes.

Submission:

Labcorp Genetics (formerly Invitae), Labcorp
Classification: Uncertain significance. Last evaluated: 2023-04-10. Review status: criteria provided, single submitter. Criteria: Invitae Variant Classification Sherloc (09022015). Collection method: clinical testing. Allele origin: germline.
Comment: In summary, the available evidence is currently insufficient to determine the role of this variant in disease. Therefore, it has been classified as a Variant of Uncertain Significance. Advanced modeling of protein sequence and biophysical properties (such as structural, functional, and spatial information, amino acid conservation, physicochemical variation, residue mobility, and thermodynamic stability) performed at Invitae indicates that this missense variant is not expected to disrupt COMP protein function. This variant has not been reported in the literature in individuals affected with COMP-related conditions. This variant is present in population databases (no rsID available, gnomAD 0.003%). This sequence change replaces asparagine, which is neutral and polar, with serine, which is neutral and polar, at codon 550 of the COMP protein (p.Asn550Ser).

NM_000095.3(COMP):c.1649A>G (p.Asn550Ser)

Gene: COMP (cartilage oligomeric matrix protein; minus strand). Cytogenetic location: 19p13.11.
Variant type: single nucleotide variant.
Coding change: c.1649A>G on transcript NM_000095.3 (MANE Select); coding-DNA position 1649, A replaced by G.
Protein change: p.Asn550Ser; replaces asparagine 550 with serine.
Molecular consequence: missense variant.
Genome position (GRCh38, 1-based): chr19:18,785,692, T>C on the plus strand (A>G on the coding strand, the complement: COMP is on the minus strand). VCF-style: chr19-18785692-T-C. GRCh37 (hg19) VCF-style: chr19-18896502-T-C.
Other names: short protein forms N550S.
Identifiers: ClinVar variation 2804708 (VCV002804708.3), dbSNP rs1182444063, ClinGen allele CA404882219.
Genomic context (GRCh38, chr19:18,785,692, plus strand): 5'-TTCTAGGGTCCCATCACCCCCCACGTGGACCCCGCTCCCACCTGGTTGAGCACCACCCAG[T>C]TGGGGTCAATCTGCGCGTCACCCTCCGGGTCCAGCACGACTGTCTGGAAGGCCCTGAAGT-3'
Protein context (NP_000086.2, residues 540-560): DPEGDAQIDP[Asn550Ser]WVVLNQGREI